The following is an entry in ClinVar:

ClinVar aggregate classification (germline): Uncertain significance (0 of 4 stars; one submission).

Conditions:
BBS1-related disorder. Also called: BBS1-related condition.

Submission:

PreventionGenetics, part of Exact Sciences
Classification: Uncertain significance for BBS1-related condition. Last evaluated: 2024-02-22. Review status: no assertion criteria provided. Collection method: clinical testing. Allele origin: germline.
Comment: The BBS1 c.1019C>T variant is predicted to result in the amino acid substitution p.Ser340Phe. To our knowledge, this variant has not been reported in the literature or in a large population database, indicating this variant is rare. At this time, the clinical significance of this variant is uncertain due to the absence of conclusive functional and genetic evidence.

NM_024649.5(BBS1):c.1019C>T (p.Ser340Phe)

Genes: BBS1 (Bardet-Biedl syndrome 1; plus strand), ZDHHC24 (zDHHC palmitoyltransferase 24; minus strand). Cytogenetic location: 11q13.2.
Variant type: single nucleotide variant.
Coding change: c.1019C>T on transcript NM_024649.5 (MANE Select); coding-DNA position 1019, C replaced by T.
Protein change: p.Ser340Phe; replaces serine 340 with phenylalanine.
Molecular consequence: missense variant. On other transcripts: intron variant (1).
Genome position (GRCh38, 1-based): chr11:66,523,791, C>T. VCF-style: chr11-66523791-C-T. GRCh37 (hg19) VCF-style: chr11-66291262-C-T.
Other names: c.*22-2325G>A (NM_001348571.2); short protein forms S340F.
Identifiers: ClinVar variation 3349173 (VCV003349173.1).